The following is an entry in ClinVar:

NM_015178.3(RHOBTB2):c.568G>A (p.Val190Met)

Gene: RHOBTB2 (Rho related BTB domain containing 2; plus strand). Cytogenetic location: 8p21.3.
Variant type: single nucleotide variant.
Coding change: c.568G>A on transcript NM_015178.3 (MANE Select); coding-DNA position 568, G replaced by A.
Protein change: p.Val190Met; replaces valine 190 with methionine.
Molecular consequence: missense variant.
Genome position (GRCh38, 1-based): chr8:23,006,813, G>A. VCF-style: chr8-23006813-G-A. GRCh37 (hg19) VCF-style: chr8-22864326-G-A.
Other names: c.634G>A, p.Val212Met (NM_001160036.2); c.589G>A, p.Val197Met (NM_001160037.2); c.568G>A, p.Val190Met (NM_001374791.1); short protein forms V212M, V190M, V197M.
Identifiers: ClinVar variation 4694918 (VCV004694918.1).

ClinVar aggregate classification (germline): Uncertain significance (1 of 4 stars; one submission).

gnomAD v4.1: 19 of 1,614,116 alleles (0.0012%); highest among the groups gnomAD compares: Non-Finnish European, 0.0014%; no homozygotes.

Submission:

Labcorp Genetics (formerly Invitae), Labcorp
Classification: Uncertain significance. Last evaluated: 2026-01-12. Review status: criteria provided, single submitter. Criteria: Invitae Variant Classification Sherloc (09022015). Collection method: clinical testing. Allele origin: germline.
Comment: This sequence change replaces valine, which is neutral and non-polar, with methionine, which is neutral and non-polar, at codon 212 of the RHOBTB2 protein (p.Val212Met). This variant is present in population databases (no rsID available, gnomAD 0.002%). This variant has not been reported in the literature in individuals affected with RHOBTB2-related conditions. Invitae Evidence Modeling of protein sequence and biophysical properties (such as structural, functional, and spatial information, amino acid conservation, physicochemical variation, residue mobility, and thermodynamic stability) has been performed for this missense variant. However, the output from this modeling did not meet the statistical confidence thresholds required to predict the impact of this variant on RHOBTB2 protein function. In summary, the available evidence is currently insufficient to determine the role of this variant in disease. Therefore, it has been classified as a Variant of Uncertain Significance.